The following is an entry in ClinVar:

ClinVar aggregate classification (germline): Uncertain significance. Review status: criteria provided, multiple submitters, no conflicts (2 of 4 stars). 2 submissions from 2 submitters: Uncertain significance (2). Last evaluated 2025-02-19.

Conditions:
Inborn genetic diseases. Identifiers: MedGen C0950123, MeSH D030342.
Charcot-Marie-Tooth disease dominant intermediate C (CMTDIC). Also called: CHARCOT-MARIE-TOOTH NEUROPATHY, DOMINANT INTERMEDIATE C. Identifiers: Orphanet 100045, MedGen C1842237, MONDO:0012012, OMIM 608323.

gnomAD v4.1: 6 of 1,614,090 alleles (0.00037%); highest among the groups gnomAD compares: Non-Finnish European, 0.00042%; no homozygotes.

Submissions (2):

Labcorp Genetics (formerly Invitae), Labcorp
Classification: Uncertain significance for Charcot-Marie-Tooth disease dominant intermediate C. Last evaluated: 2025-02-19. Review status: criteria provided, single submitter. Criteria: Invitae Variant Classification Sherloc (09022015). Collection method: clinical testing. Allele origin: germline.
Comment: This sequence change replaces glutamic acid, which is acidic and polar, with alanine, which is neutral and non-polar, at codon 157 of the YARS protein (p.Glu157Ala). This variant is present in population databases (rs753585352, gnomAD 0.0009%). This variant has not been reported in the literature in individuals affected with YARS-related conditions. Invitae Evidence Modeling of protein sequence and biophysical properties (such as structural, functional, and spatial information, amino acid conservation, physicochemical variation, residue mobility, and thermodynamic stability) indicates that this missense variant is not expected to disrupt YARS protein function with a negative predictive value of 80%. In summary, the available evidence is currently insufficient to determine the role of this variant in disease. Therefore, it has been classified as a Variant of Uncertain Significance.

Ambry Genetics
Classification: Uncertain significance for Inborn genetic diseases. Last evaluated: 2025-01-19. Review status: criteria provided, single submitter. Criteria: Ambry Variant Classification Scheme 2023. Collection method: clinical testing. Allele origin: germline.

NM_003680.4(YARS1):c.470A>C (p.Glu157Ala)

Gene: YARS1 (tyrosyl-tRNA synthetase 1; minus strand). Cytogenetic location: 1p35.1.
Variant type: single nucleotide variant.
Coding change: c.470A>C on transcript NM_003680.4 (MANE Select); coding-DNA position 470, A replaced by C.
Protein change: p.Glu157Ala; replaces glutamic acid 157 with alanine.
Molecular consequence: missense variant.
Genome position (GRCh38, 1-based): chr1:32,806,522, T>G on the plus strand (A>C on the coding strand, the complement: YARS1 is on the minus strand). VCF-style: chr1-32806522-T-G. GRCh37 (hg19) VCF-style: chr1-33272123-T-G.
Other names: short protein forms E157A.
Identifiers: ClinVar variation 3817930 (VCV003817930.2).